The following is an entry in ClinVar:

NM_001330288.2(SMARCC2):c.3388T>G (p.Phe1130Val)

Gene: SMARCC2 (SWI/SNF related BAF chromatin remodeling complex subunit C2; minus strand). Cytogenetic location: 12q13.2.
Variant type: single nucleotide variant.
Coding change: c.3388T>G on transcript NM_001330288.2 (MANE Select); coding-DNA position 3388, T replaced by G.
Protein change: p.Phe1130Val; replaces phenylalanine 1130 with valine.
Molecular consequence: missense variant. On other transcripts: intron variant (2).
Genome position (GRCh38, 1-based): chr12:56,164,576, A>C on the plus strand (T>G on the coding strand, the complement: SMARCC2 is on the minus strand). VCF-style: chr12-56164576-A-C. GRCh37 (hg19) VCF-style: chr12-56558360-A-C.
Other names: c.3295T>G, p.Phe1099Val (NM_003075.5); c.3316+72T>G (NM_139067.4, NM_001130420.3); short protein forms F1099V, F1130V.
Identifiers: ClinVar variation 2507299 (VCV002507299.1), dbSNP rs1395934384, ClinGen allele CA385338633.

ClinVar aggregate classification (germline): Uncertain significance (1 of 4 stars; one submission).

Submission:

GeneDx
Classification: Uncertain significance. Last evaluated: 2022-12-30. Review status: criteria provided, single submitter. Criteria: GeneDx Variant Classification Process June 2021. Collection method: clinical testing. Allele origin: germline. Affected: yes.
Comment: Not observed at significant frequency in large population cohorts (gnomAD); In silico analysis supports that this missense variant does not alter protein structure/function; Has not been previously published as pathogenic or benign to our knowledge